The following is an entry in ClinVar:

ClinVar aggregate classification (germline): Uncertain significance (1 of 4 stars; one submission).

Conditions:
Rhabdoid tumor predisposition syndrome 2 (RTPS2). Identifiers: Orphanet 231108, Orphanet 69077, MedGen C2750074, MONDO:0013224, OMIM 613325.

Submission:

Labcorp Genetics (formerly Invitae), Labcorp
Classification: Uncertain significance for Rhabdoid tumor predisposition syndrome 2. Last evaluated: 2024-12-15. Review status: criteria provided, single submitter. Criteria: Invitae Variant Classification Sherloc (09022015). Collection method: clinical testing. Allele origin: germline.
Comment: This sequence change replaces glycine, which is neutral and non-polar, with aspartic acid, which is acidic and polar, at codon 19 of the SMARCA4 protein (p.Gly19Asp). This variant is not present in population databases (gnomAD no frequency). This variant has not been reported in the literature in individuals affected with SMARCA4-related conditions. Invitae Evidence Modeling of protein sequence and biophysical properties (such as structural, functional, and spatial information, amino acid conservation, physicochemical variation, residue mobility, and thermodynamic stability) has been performed for this missense variant. However, the output from this modeling did not meet the statistical confidence thresholds required to predict the impact of this variant on SMARCA4 protein function. In summary, the available evidence is currently insufficient to determine the role of this variant in disease. Therefore, it has been classified as a Variant of Uncertain Significance.

NM_003072.5(SMARCA4):c.56G>A (p.Gly19Asp)

Gene: SMARCA4 (SWI/SNF related BAF chromatin remodeling complex subunit ATPase 4; plus strand). Cytogenetic location: 19p13.2.
Variant type: single nucleotide variant.
Coding change: c.56G>A on transcript NM_003072.5 (MANE Select); coding-DNA position 56, G replaced by A.
Protein change: p.Gly19Asp; replaces glycine 19 with aspartic acid.
Molecular consequence: missense variant. On other transcripts: non-coding transcript variant (1).
Genome position (GRCh38, 1-based): chr19:10,984,207, G>A. VCF-style: chr19-10984207-G-A. GRCh37 (hg19) VCF-style: chr19-11094883-G-A.
Other names: c.56G>A, p.Gly19Asp (NM_001128844.3, NM_001128845.2, NM_001128846.2 and 6 more transcripts); short protein forms G19D.
Identifiers: ClinVar variation 3605578 (VCV003605578.2).